The following is an entry in ClinVar:

ClinVar aggregate classification (germline): Likely benign. Review status: reviewed by expert panel (3 of 4 stars). 2 submissions from 2 submitters: Likely benign (1). 1 of the submissions does not count toward it. Last evaluated 2017-06-29.

Conditions:
Hereditary cancer-predisposing syndrome. Also called: Tumor predisposition; Hereditary Cancer Syndrome; Hereditary neoplastic syndrome; Neoplastic Syndromes, Hereditary. Identifiers: Orphanet 140162, MedGen C0027672, MeSH D009386, MONDO:0015356.
Breast-ovarian cancer, familial, susceptibility to, 2 (BROVCA2). Also called: BRCA2 Hereditary Breast and Ovarian Cancer. Identifiers: Orphanet 145, MedGen C2675520, MONDO:0012933, OMIM 612555. Disease mechanism: loss of function.

Allele frequency attached by ClinVar (database versions not stated): TOPMed below 0.00001.

Submissions (2):

Evidence-based Network for the Interpretation of Germline Mutant Alleles (ENIGMA)
Classification: Likely benign for Breast-ovarian cancer, familial, susceptibility to, 2. Last evaluated: 2017-06-29. Review status: reviewed by expert panel. Criteria: ENIGMA BRCA1/2 Classification Criteria (2017-06-29). Collection method: curation. Allele origin: germline.
Comment: Synonymous substitution variant, with low bioinformatic likelihood to result in a splicing aberration (Splicing prior probability 0.02).

Ambry Genetics
Classification: Likely benign for Hereditary cancer-predisposing syndrome. Last evaluated: 2014-07-10. Review status: criteria provided, single submitter. Criteria: Ambry Variant Classification Scheme 2023. Collection method: clinical testing. Allele origin: germline. Not counted in ClinVar's aggregate classification.

NM_000059.4(BRCA2):c.5766T>C (p.Ala1922=)

Gene: BRCA2 (BRCA2 DNA repair associated; plus strand). Cytogenetic location: 13q13.1.
Variant type: single nucleotide variant.
Coding change: c.5766T>C on transcript NM_000059.4 (MANE Select); coding-DNA position 5766, T replaced by C.
Protein change: p.Ala1922=; no amino-acid change (alanine 1922 retained).
Molecular consequence: synonymous variant.
Genome position (GRCh38, 1-based): chr13:32,340,121, T>C. VCF-style: chr13-32340121-T-C. GRCh37 (hg19) VCF-style: chr13-32914258-T-C.
Identifiers: ClinVar variation 185500 (VCV000185500.7), dbSNP rs786202224, ClinGen allele CA023187.